The following is an entry in ClinVar:

NM_134261.3(RORA):c.614A>G (p.Asp205Gly)

Genes: RORA (RAR related orphan receptor A; minus strand), RORA-AS1 (RORA antisense RNA 1; plus strand). Cytogenetic location: 15q22.2.
Variant type: single nucleotide variant.
Coding change: c.614A>G on transcript NM_134261.3 (MANE Select); coding-DNA position 614, A replaced by G.
Protein change: p.Asp205Gly; replaces aspartic acid 205 with glycine.
Molecular consequence: missense variant.
Genome position (GRCh38, 1-based): chr15:60,511,432, T>C on the plus strand (A>G on the coding strand, the complement: RORA is on the minus strand). VCF-style: chr15-60511432-T-C. GRCh37 (hg19) VCF-style: chr15-60803631-T-C.
Other names: c.689A>G, p.Asp230Gly (NM_002943.4); c.713A>G, p.Asp238Gly (NM_134260.3); c.449A>G, p.Asp150Gly (NM_134262.3); short protein forms D230G, D238G, D205G, D150G.
Identifiers: ClinVar variation 5008743 (VCV005008743.1).

ClinVar aggregate classification (germline): Uncertain significance (1 of 4 stars; one submission).

Submission:

GeneDx
Classification: Uncertain significance. Last evaluated: 2026-03-09. Review status: criteria provided, single submitter. Criteria: GeneDx Variant Classification Process June 2021. Collection method: clinical testing. Allele origin: germline.
Comment: Not observed at significant frequency in large population cohorts (gnomAD); In silico analysis suggests that this missense variant does not alter protein structure/function; Has not been previously published as pathogenic or benign to our knowledge